The following is an entry in ClinVar:

ClinVar aggregate classification (germline): Uncertain significance (1 of 4 stars; one submission).

Conditions:
Autosomal recessive limb-girdle muscular dystrophy type 2J (LGMDR10). Also called: Limb-girdle muscular dystrophy, type 2J; MUSCULAR DYSTROPHY, LIMB-GIRDLE, AUTOSOMAL RECESSIVE 10. Identifiers: Orphanet 140922, MedGen C1837342, MONDO:0012127, OMIM 608807.
Dilated cardiomyopathy 1G (CMD1G). Identifiers: Orphanet 154, MedGen C1858763, MONDO:0011400, OMIM 604145.

gnomAD v4.1: 1 of 1,613,504 alleles (0.000062%); highest among the groups gnomAD compares: Non-Finnish European, 0.000085%; no homozygotes.

Submission:

Labcorp Genetics (formerly Invitae), Labcorp
Classification: Uncertain significance for Dilated cardiomyopathy 1G; Autosomal recessive limb-girdle muscular dystrophy type 2J. Last evaluated: 2024-12-04. Review status: criteria provided, single submitter. Criteria: Invitae Variant Classification Sherloc (09022015). Collection method: clinical testing. Allele origin: germline.
Comment: This sequence change replaces arginine, which is basic and polar, with proline, which is neutral and non-polar, at codon 23998 of the TTN protein (p.Arg23998Pro). This variant is not present in population databases (gnomAD no frequency). This missense change has been observed in individual(s) with autosomal recessive congenital myopathy (PMID: 30365001). In at least one individual the data is consistent with being in trans (on the opposite chromosome) from a pathogenic variant. Experimental studies and prediction algorithms are not available or were not evaluated, and the functional significance of this variant is currently unknown. This variant is located in the A band of TTN (PMID: 25589632). Variants in this region may be relevant for cardiac or neuromuscular disorders (PMID: 25589632, 23975875). In summary, the available evidence is currently insufficient to determine the role of this variant in disease. Therefore, it has been classified as a Variant of Uncertain Significance.

Literature cited by the submitters: PubMed 30365001; PubMed 25589632; PubMed 23975875.

NM_001267550.2(TTN):c.71993G>C (p.Arg23998Pro)

Genes: TTN (titin; minus strand), TTN-AS1 (TTN antisense RNA 1; plus strand). Cytogenetic location: 2q31.2.
Variant type: single nucleotide variant.
Coding change: c.71993G>C on transcript NM_001267550.2 (MANE Select); coding-DNA position 71993, G replaced by C.
Protein change: p.Arg23998Pro; replaces arginine 23998 with proline.
Molecular consequence: missense variant.
Genome position (GRCh38, 1-based): chr2:178,574,139, C>G on the plus strand (G>C on the coding strand, the complement: TTN is on the minus strand). VCF-style: chr2-178574139-C-G. GRCh37 (hg19) VCF-style: chr2-179438866-C-G.
Other names: c.67070G>C, p.Arg22357Pro (NM_001256850.1); c.44798G>C, p.Arg14933Pro (NM_003319.4); c.64289G>C, p.Arg21430Pro (NM_133378.4); c.45173G>C, p.Arg15058Pro (NM_133432.3); c.45374G>C, p.Arg15125Pro (NM_133437.4); short protein forms R14933P, R15058P, R15125P, R21430P, R22357P, R23998P.
Identifiers: ClinVar variation 3762906 (VCV003762906.1).